The following is an entry in ClinVar:

ClinVar aggregate classification (germline): Uncertain significance (1 of 4 stars; one submission).

Conditions:
Congenital myasthenic syndrome 8. Also called: Myasthenic syndrome, congenital, 8, with pre- and postsynaptic defects; MYASTHENIC SYNDROME, CONGENITAL, DUE TO AGRIN DEFICIENCY. Identifiers: Orphanet 590, MedGen C3808739, MONDO:0014052, OMIM 615120.

Allele frequency attached by ClinVar (database versions not stated): gnomAD exomes below 0.00001; gnomAD 0.00001; TOPMed 0.00002.

Submission:

Labcorp Genetics (formerly Invitae), Labcorp
Classification: Uncertain significance for Congenital myasthenic syndrome 8. Last evaluated: 2022-07-23. Review status: criteria provided, single submitter. Criteria: Invitae Variant Classification Sherloc (09022015). Collection method: clinical testing. Allele origin: germline.
Comment: This sequence change replaces proline, which is neutral and non-polar, with alanine, which is neutral and non-polar, at codon 122 of the AGRN protein (p.Pro122Ala). This variant is present in population databases (no rsID available, gnomAD 0.0009%). This variant has not been reported in the literature in individuals affected with AGRN-related conditions. ClinVar contains an entry for this variant (Variation ID: 1474267). Algorithms developed to predict the effect of missense changes on protein structure and function are either unavailable or do not agree on the potential impact of this missense change (SIFT: "Tolerated"; PolyPhen-2: "Possibly Damaging"; Align-GVGD: "Class C0"). In summary, the available evidence is currently insufficient to determine the role of this variant in disease. Therefore, it has been classified as a Variant of Uncertain Significance.

NM_198576.4(AGRN):c.364C>G (p.Pro122Ala)

Genes: AGRN (agrin; plus strand), LOC126805576 (P300/CBP strongly-dependent group 1 enhancer GRCh37_chr1:956772-957971; plus strand). Cytogenetic location: 1p36.33.
Variant type: single nucleotide variant.
Coding change: c.364C>G on transcript NM_198576.4 (MANE Select); coding-DNA position 364, C replaced by G.
Protein change: p.Pro122Ala; replaces proline 122 with alanine.
Molecular consequence: missense variant.
Genome position (GRCh38, 1-based): chr1:1,022,363, C>G. VCF-style: chr1-1022363-C-G. GRCh37 (hg19) VCF-style: chr1-957743-C-G.
Other names: c.364C>G, p.Pro122Ala (NM_001305275.2); short protein forms P122A.
Identifiers: ClinVar variation 1474267 (VCV001474267.3), dbSNP rs1445429136, ClinGen allele CA337813256.
Genomic context (GRCh38, chr1:1,022,363, plus strand): 5'-ATCTGTGACAACCAGGTGTCCACTGGGGACACCAGGATCTTCTTTGTGAACCCTGCACCC[C>G]CATACCTGTGGCCAGCCCACAAGAACGAGCTGATGCTCAACTCCAGCCTCATGCGGATCA-3'
Protein context (NP_940978.2, residues 112-132): TRIFFVNPAP[Pro122Ala]YLWPAHKNEL